The following is an entry in ClinVar:

ClinVar aggregate classification (germline): Uncertain significance (1 of 4 stars; one submission).

Conditions:
Inborn genetic diseases. Identifiers: MedGen C0950123, MeSH D030342.

Submission:

Ambry Genetics
Classification: Uncertain significance for Inborn genetic diseases. Last evaluated: 2021-12-29. Review status: criteria provided, single submitter. Criteria: Ambry Variant Classification Scheme 2023. Collection method: clinical testing. Allele origin: germline.
Comment: The p.A1403V variant (also known as c.4208C>T), located in coding exon 23 of the ATR gene, results from a C to T substitution at nucleotide position 4208. The alanine at codon 1403 is replaced by valine, an amino acid with similar properties. This amino acid position is conserved. In addition, this alteration is predicted to be tolerated by in silico analysis. Since supporting evidence is limited at this time, the clinical significance of this alteration remains unclear.

NM_001184.4(ATR):c.4208C>T (p.Ala1403Val)

Gene: ATR (ATR checkpoint kinase; minus strand). Cytogenetic location: 3q23.
Variant type: single nucleotide variant.
Coding change: c.4208C>T on transcript NM_001184.4 (MANE Select); coding-DNA position 4208, C replaced by T.
Protein change: p.Ala1403Val; replaces alanine 1403 with valine.
Molecular consequence: missense variant.
Genome position (GRCh38, 1-based): chr3:142,522,786, G>A on the plus strand (C>T on the coding strand, the complement: ATR is on the minus strand). VCF-style: chr3-142522786-G-A. GRCh37 (hg19) VCF-style: chr3-142241628-G-A.
Other names: c.4016C>T, p.Ala1339Val (NM_001354579.2); short protein forms A1339V, A1403V.
Identifiers: ClinVar variation 1738698 (VCV001738698.2), dbSNP rs2108395876, ClinGen allele CA354801325.